The following is an entry in ClinVar:

NM_006208.3(ENPP1):c.1880C>T (p.Ser627Leu)

Gene: ENPP1 (ectonucleotide pyrophosphatase/phosphodiesterase 1; plus strand). Cytogenetic location: 6q23.2.
Variant type: single nucleotide variant.
Coding change: c.1880C>T on transcript NM_006208.3 (MANE Select); coding-DNA position 1880, C replaced by T.
Protein change: p.Ser627Leu; replaces serine 627 with leucine.
Molecular consequence: missense variant.
Genome position (GRCh38, 1-based): chr6:131,877,148, C>T. VCF-style: chr6-131877148-C-T. GRCh37 (hg19) VCF-style: chr6-132198288-C-T.
Other names: c.1880C>T (NM_006208.2); short protein forms S627L.
Identifiers: ClinVar variation 3593085 (VCV003593085.3).

ClinVar aggregate classification (germline): Uncertain significance. Review status: criteria provided, multiple submitters, no conflicts (2 of 4 stars). 3 submissions from 3 submitters: Uncertain significance (3). Last evaluated 2025-08-18.

Conditions:
Hypopigmentation-punctate palmoplantar keratoderma syndrome. Also called: GUTTATE HYPOPIGMENTATION AND PUNCTATE PALMOPLANTAR KERATODERMA WITH OR WITHOUT ECTOPIC CALCIFICATION; Cole disease. Identifiers: Orphanet 324561, MedGen C3809781, MONDO:0014227, OMIM 615522.
Inherited obesity. Also called: Monogenic Obesity. Identifiers: Orphanet 77828, MedGen C4054476, MONDO:0019182, OMIM 601665.
Type 2 diabetes mellitus. Also called: Type II diabetes mellitus. Identifiers: MedGen C0011860, MeSH D003924, MONDO:0005148, OMIM 125853, HP:0005978.
Arterial calcification, generalized, of infancy, 1 (GACI1). Also called: Idiopathic Infantile Arterial Calcification. Identifiers: Orphanet 51608, MedGen C4551985, MONDO:0008817, OMIM 208000.
Hypophosphatemic rickets, autosomal recessive, 2 (ARHR2). Identifiers: Orphanet 289176, MedGen C2750078, MONDO:0013219, OMIM 613312.
Inborn genetic diseases. Identifiers: MedGen C0950123, MeSH D030342.

gnomAD v4.1: 29 of 1,613,592 alleles (0.0018%); highest among the groups gnomAD compares: Non-Finnish European, 0.0024%; no homozygotes.

Submissions (3):

Labcorp Genetics (formerly Invitae), Labcorp
Classification: Uncertain significance. Last evaluated: 2025-08-18. Review status: criteria provided, single submitter. Criteria: Invitae Variant Classification Sherloc (09022015). Collection method: clinical testing. Allele origin: germline.
Comment: This sequence change replaces serine, which is neutral and polar, with leucine, which is neutral and non-polar, at codon 627 of the ENPP1 protein (p.Ser627Leu). This variant is present in population databases (rs770186943, gnomAD 0.002%). This variant has not been reported in the literature in individuals affected with ENPP1-related conditions. ClinVar contains an entry for this variant (Variation ID: 3593085). Invitae Evidence Modeling of protein sequence and biophysical properties (such as structural, functional, and spatial information, amino acid conservation, physicochemical variation, residue mobility, and thermodynamic stability) indicates that this missense variant is not expected to disrupt ENPP1 protein function with a negative predictive value of 80%. In summary, the available evidence is currently insufficient to determine the role of this variant in disease. Therefore, it has been classified as a Variant of Uncertain Significance.

Ambry Genetics
Classification: Uncertain significance for Inborn genetic diseases. Last evaluated: 2025-08-05. Review status: criteria provided, single submitter. Criteria: Ambry Variant Classification Scheme 2023. Collection method: clinical testing. Allele origin: germline.

Fulgent Genetics
Classification: Uncertain significance for Type 2 diabetes mellitus; Arterial calcification, generalized, of infancy, 1; Inherited obesity; Hypophosphatemic rickets, autosomal recessive, 2; Hypopigmentation-punctate palmoplantar keratoderma syndrome. Last evaluated: 2024-05-09. Review status: criteria provided, single submitter. Criteria: ACMG Guidelines, 2015. Collection method: clinical testing. Allele origin: germline.